The following is an entry in ClinVar:

NM_006031.6(PCNT):c.6635G>T (p.Arg2212Leu)

Gene: PCNT (pericentrin; plus strand). Cytogenetic location: 21q22.3.
Variant type: single nucleotide variant.
Coding change: c.6635G>T on transcript NM_006031.6 (MANE Select); coding-DNA position 6635, G replaced by T.
Protein change: p.Arg2212Leu; replaces arginine 2212 with leucine.
Molecular consequence: missense variant.
Genome position (GRCh38, 1-based): chr21:46,416,553, G>T. VCF-style: chr21-46416553-G-T. GRCh37 (hg19) VCF-style: chr21-47836467-G-T.
Other names: c.6281G>T, p.Arg2094Leu (NM_001315529.2); short protein forms R2094L, R2212L.
Identifiers: ClinVar variation 4982026 (VCV004982026.1).

ClinVar aggregate classification (germline): Uncertain significance (1 of 4 stars; one submission).

Conditions:
PCNT-related disorder. Also called: PCNT-related condition.

Submission:

PreventionGenetics, part of Exact Sciences
Classification: Uncertain significance for PCNT-related condition. Last evaluated: 2025-01-24. Review status: criteria provided, single submitter. Criteria: ACMG Guidelines, 2015. Collection method: clinical testing. Allele origin: germline.
Comment: The PCNT c.6635G>T variant is predicted to result in the amino acid substitution p.Arg2212Leu. To our knowledge, this variant has not been reported in the literature. This variant is reported in 0.00088% of alleles in individuals of European (Non-Finnish) descent in gnomAD. At this time, the clinical significance of this variant is uncertain due to the absence of conclusive functional and genetic evidence.